The following is an entry in ClinVar:

NM_015443.4(KANSL1):c.917A>G (p.Gln306Arg)

Gene: KANSL1 (KAT8 regulatory NSL complex subunit 1). Cytogenetic location: 17q21.31.
Variant type: single nucleotide variant.
Coding change: c.917A>G on transcript NM_015443.4 (MANE Select); coding-DNA position 917, A replaced by G.
Protein change: p.Gln306Arg; replaces glutamine 306 with arginine.
Molecular consequence: missense variant. On other transcripts: intron variant (4).
Genome position (GRCh38, 1-based): chr17:46,171,227, T>C on the plus strand (A>G on the coding strand, the complement: KANSL1 is on the minus strand). VCF-style: chr17-46171227-T-C. GRCh37 (hg19) VCF-style: chr17-44248593-T-C.
Other names: c.917A>G, p.Gln306Arg (NM_001405879.1, NM_001405880.1, NM_001405881.1 and 18 more transcripts); c.23+52444A>G (NM_001405885.1, NM_001405884.1, NM_001405883.1 and 1 more transcripts); short protein forms Q306R.
Identifiers: ClinVar variation 2501821 (VCV002501821.2), dbSNP rs2545081009, ClinGen allele CA399980199.
Genomic context (GRCh38, chr17:46,171,227, plus strand): 5'-TCCAAAAATCCACCCAGCTGATGTTGTATATGCCTCTCAACCTGCTTGGCTTGCACAACC[T>C]GTAAGCGCTTTTGTAATCTGCGGGCACGGCTCTCAATGTCAGCCTGTCGCCGCAGTAAAG-3'
Protein context (NP_056258.1, residues 296-316): SRARRLQKRL[Gln306Arg]VVQAKQVERH

ClinVar aggregate classification (germline): Uncertain significance. Review status: criteria provided, multiple submitters, no conflicts (2 of 4 stars). 2 submissions from 2 submitters: Uncertain significance (2). Last evaluated 2025-08-31.

Conditions:
Inborn genetic diseases. Identifiers: MedGen C0950123, MeSH D030342.

Allele frequency attached by ClinVar (database versions not stated): gnomAD exomes below 0.00001.
gnomAD v4.1: 1 of 1,614,114 alleles (0.000062%); highest among the groups gnomAD compares: South Asian, 0.0011%; no homozygotes.

Submissions (2):

Ambry Genetics
Classification: Uncertain significance for Inborn genetic diseases. Last evaluated: 2025-08-31. Review status: criteria provided, single submitter. Criteria: Ambry Variant Classification Scheme 2023. Collection method: clinical testing. Allele origin: germline.

GeneDx
Classification: Uncertain significance. Last evaluated: 2022-11-14. Review status: criteria provided, single submitter. Criteria: GeneDx Variant Classification Process June 2021. Collection method: clinical testing. Allele origin: germline. Affected: yes.
Comment: Not observed at significant frequency in large population cohorts (gnomAD); In silico analysis supports that this missense variant does not alter protein structure/function; Has not been previously published as pathogenic or benign to our knowledge